The following is an entry in ClinVar:

NM_004341.5(CAD):c.1411G>A (p.Gly471Ser)

Gene: CAD (carbamoyl-phosphate synthetase 2, aspartate transcarbamylase, and dihydroorotase; plus strand). Cytogenetic location: 2p23.3.
Variant type: single nucleotide variant.
Coding change: c.1411G>A on transcript NM_004341.5 (MANE Select); coding-DNA position 1411, G replaced by A.
Protein change: p.Gly471Ser; replaces glycine 471 with serine.
Molecular consequence: missense variant.
Genome position (GRCh38, 1-based): chr2:27,225,034, G>A. VCF-style: chr2-27225034-G-A. GRCh37 (hg19) VCF-style: chr2-27447902-G-A.
Other names: c.1411G>A, p.Gly471Ser (NM_001306079.2); short protein forms G471S.
Identifiers: ClinVar variation 1374339 (VCV001374339.7), dbSNP rs779917471, ClinGen allele CA1572720.

ClinVar aggregate classification (germline): Uncertain significance. Review status: criteria provided, multiple submitters, no conflicts (2 of 4 stars). 2 submissions from 2 submitters: Uncertain significance (2). Last evaluated 2021-12-21.

Allele frequency attached by ClinVar (database versions not stated): gnomAD exomes below 0.00001; ExAC 0.00001; gnomAD 0.00001; TOPMed 0.00002.
gnomAD v4.1: 12 of 1,611,164 alleles (0.00074%); highest among the groups gnomAD compares: Non-Finnish European, 0.001%; no homozygotes.

Submissions (2):

Blueprint Genetics
Classification: Uncertain significance. Last evaluated: 2021-12-21. Review status: criteria provided, single submitter. Criteria: ACMG Guidelines, 2015. Collection method: clinical testing. Allele origin: germline.

Labcorp Genetics (formerly Invitae), Labcorp
Classification: Uncertain significance. Last evaluated: 2021-08-11. Review status: criteria provided, single submitter. Criteria: Invitae Variant Classification Sherloc (09022015). Collection method: clinical testing. Allele origin: germline.
Comment: This sequence change replaces glycine with serine at codon 471 of the CAD protein (p.Gly471Ser). The glycine residue is highly conserved and there is a small physicochemical difference between glycine and serine. This variant is present in population databases (rs779917471, ExAC 0.002%). This variant has not been reported in the literature in individuals affected with CAD-related conditions. Algorithms developed to predict the effect of missense changes on protein structure and function are either unavailable or do not agree on the potential impact of this missense change (SIFT: "Deleterious"; PolyPhen-2: "Probably Damaging"; Align-GVGD: "Class C0"). Algorithms developed to predict the effect of sequence changes on RNA splicing suggest that this variant may create or strengthen a splice site. In summary, the available evidence is currently insufficient to determine the role of this variant in disease. Therefore, it has been classified as a Variant of Uncertain Significance.